The following is an entry in ClinVar:

NM_002661.5(PLCG2):c.2080C>T (p.Arg694Cys)

Gene: PLCG2 (phospholipase C gamma 2; plus strand). Cytogenetic location: 16q23.3.
Variant type: single nucleotide variant.
Coding change: c.2080C>T on transcript NM_002661.5 (MANE Select); coding-DNA position 2080, C replaced by T.
Protein change: p.Arg694Cys; replaces arginine 694 with cysteine.
Molecular consequence: missense variant.
Genome position (GRCh38, 1-based): chr16:81,919,509, C>T. VCF-style: chr16-81919509-C-T. GRCh37 (hg19) VCF-style: chr16-81953114-C-T.
Other names: short protein forms R694C.
Identifiers: ClinVar variation 972663 (VCV000972663.8), dbSNP rs764736362, ClinGen allele CA8194081.

ClinVar aggregate classification (germline): Uncertain significance. Review status: criteria provided, multiple submitters, no conflicts (2 of 4 stars). 2 submissions from 2 submitters: Uncertain significance (2). Last evaluated 2025-12-21.

Conditions:
Familial cold autoinflammatory syndrome 3 (FCAS3). Also called: FAMILIAL ATYPICAL COLD URTICARIA; ANTIBODY DEFICIENCY AND IMMUNE DYSREGULATION, PLCG2-ASSOCIATED. Identifiers: Orphanet 300359, MedGen C3280914, MONDO:0013766, OMIM 614468.

Allele frequency attached by ClinVar (database versions not stated): TOPMed below 0.00001; gnomAD exomes 0.00001; ExAC 0.00002.
gnomAD v4.1: 8 of 1,613,986 alleles (0.0005%); highest among the groups gnomAD compares: South Asian, 0.0011%; no homozygotes.

Submissions (2):

Labcorp Genetics (formerly Invitae), Labcorp
Classification: Uncertain significance for Familial cold autoinflammatory syndrome 3. Last evaluated: 2025-12-21. Review status: criteria provided, single submitter. Criteria: Invitae Variant Classification Sherloc (09022015). Collection method: clinical testing. Allele origin: germline.
Comment: This sequence change replaces arginine, which is basic and polar, with cysteine, which is neutral and slightly polar, at codon 694 of the PLCG2 protein (p.Arg694Cys). This variant is present in population databases (rs764736362, gnomAD 0.002%). This variant has not been reported in the literature in individuals affected with PLCG2-related conditions. ClinVar contains an entry for this variant (Variation ID: 972663). An algorithm developed to predict the effect of missense changes on protein structure and function (PolyPhen-2) suggests that this variant is likely to be disruptive. In summary, the available evidence is currently insufficient to determine the role of this variant in disease. Therefore, it has been classified as a Variant of Uncertain Significance.

GeneDx
Classification: Uncertain significance. Last evaluated: 2021-04-16. Review status: criteria provided, single submitter. Criteria: GeneDx Variant Classification Process June 2021. Collection method: clinical testing. Allele origin: germline. Affected: yes.
Comment: In silico analysis supports that this missense variant has a deleterious effect on protein structure/function; Has not been previously published as pathogenic or benign to our knowledge